The following is an entry in ClinVar:

NM_001379286.1(ZNF423):c.3618C>T (p.His1206=)

Gene: ZNF423 (zinc finger protein 423; minus strand). Cytogenetic location: 16q12.1.
Variant type: single nucleotide variant.
Coding change: c.3618C>T on transcript NM_001379286.1 (MANE Select); coding-DNA position 3618, C replaced by T.
Protein change: p.His1206=; no amino-acid change (histidine 1206 retained).
Molecular consequence: synonymous variant.
Genome position (GRCh38, 1-based): chr16:49,525,478, G>A on the plus strand (C>T on the coding strand, the complement: ZNF423 is on the minus strand). VCF-style: chr16-49525478-G-A. GRCh37 (hg19) VCF-style: chr16-49559389-G-A.
Other names: c.3414C>T, p.His1138= (NM_001271620.2); c.3243C>T, p.His1081= (NM_001330533.2); c.3594C>T, p.His1198= (NM_015069.5); c.3594C>T (NM_015069.4).
Identifiers: ClinVar variation 1104288 (VCV001104288.10), dbSNP rs137880959, ClinGen allele CA8046236.

ClinVar aggregate classification (germline): Likely benign. Review status: criteria provided, multiple submitters, no conflicts (2 of 4 stars). 2 submissions from 2 submitters: Likely benign (2). Last evaluated 2026-03-09.

Conditions:
ZNF423-related disorder. Also called: ZNF423-related condition.
Nephronophthisis 14 (NPHP14). Identifiers: Orphanet 2318, MedGen C3539071, MONDO:0013916, OMIM 614844.

Allele frequency attached by ClinVar (database versions not stated): ExAC 0.00002; gnomAD exomes 0.00002 and 0.00003; gnomAD 0.00007; TOPMed 0.00008; ESP Exome Variant Server 0.00015; 1000 Genomes Project 0.00020; 1000 Genomes Project 30x 0.00031.
gnomAD v4.1: 58 of 1,614,004 alleles (0.0036%); highest among the groups gnomAD compares: African/African-American, 0.0093%; no homozygotes.

Submissions (2):

PreventionGenetics, part of Exact Sciences
Classification: Likely benign for ZNF423-related condition. Last evaluated: 2026-03-09. Review status: criteria provided, single submitter. Criteria: ACMG Guidelines, 2015. Collection method: clinical testing. Allele origin: germline.
Comment: This variant is classified as likely benign based on ACMG/AMP sequence variant interpretation guidelines (Richards et al. 2015 PMID: 25741868, with internal and published modifications).

Labcorp Genetics (formerly Invitae), Labcorp
Classification: Likely benign for Nephronophthisis 14. Last evaluated: 2025-08-20. Review status: criteria provided, single submitter. Criteria: Invitae Variant Classification Sherloc (09022015). Collection method: clinical testing. Allele origin: germline.